The following is an entry in ClinVar:

NM_022455.5(NSD1):c.6521T>C (p.Phe2174Ser)

Gene: NSD1 (nuclear receptor binding SET domain protein 1; plus strand). Cytogenetic location: 5q35.3.
Variant type: single nucleotide variant.
Coding change: c.6521T>C on transcript NM_022455.5 (MANE Select); coding-DNA position 6521, T replaced by C.
Protein change: p.Phe2174Ser; replaces phenylalanine 2174 with serine.
Molecular consequence: missense variant.
Genome position (GRCh38, 1-based): chr5:177,293,889, T>C. VCF-style: chr5-177293889-T-C. GRCh37 (hg19) VCF-style: chr5-176720890-T-C.
Other names: c.5648T>C, p.Phe1883Ser (NM_001365684.2, NM_001409308.1, NM_172349.5); c.6521T>C, p.Phe2174Ser (NM_001409301.1, NM_001409302.1, NM_001409303.1); c.6101T>C, p.Phe2034Ser (NM_001409304.1); c.5768T>C, p.Phe1923Ser (NM_001409305.1); c.5759T>C, p.Phe1920Ser (NM_001409306.1, NM_001409307.1); c.5399T>C, p.Phe1800Ser (NM_001409309.1); short protein forms F1920S, F1923S, F2034S, F2174S, F1800S, F1883S.
Identifiers: ClinVar variation 4774168 (VCV004774168.1).
Genomic context (GRCh38, chr5:177,293,889, plus strand): 5'-CAGGGAAATGGGAATGTCCGTGGCATCAGTGTGACATCTGCGGGAAGGAAGCAGCCTCCT[T>C]CTGTGAGATGTGCCCCAGCTCCTTTTGTAAGCAGCATCGAGAAGGGATGCTTTTCATTTC-3'
Protein context (NP_071900.2, residues 2164-2184): CDICGKEAAS[Phe2174Ser]CEMCPSSFCK

ClinVar aggregate classification (germline): Uncertain significance (1 of 4 stars; one submission).

gnomAD v4.1: 3 of 1,614,112 alleles (0.00019%); highest among the groups gnomAD compares: Non-Finnish European, 0.00025%; no homozygotes.

Submission:

Labcorp Genetics (formerly Invitae), Labcorp
Classification: Uncertain significance. Last evaluated: 2025-05-21. Review status: criteria provided, single submitter. Criteria: Invitae Variant Classification Sherloc (09022015). Collection method: clinical testing. Allele origin: germline.
Comment: This sequence change replaces phenylalanine, which is neutral and non-polar, with serine, which is neutral and polar, at codon 2174 of the NSD1 protein (p.Phe2174Ser). This variant is not present in population databases (gnomAD no frequency). This variant has not been reported in the literature in individuals affected with NSD1-related conditions. Invitae Evidence Modeling of protein sequence and biophysical properties (such as structural, functional, and spatial information, amino acid conservation, physicochemical variation, residue mobility, and thermodynamic stability) indicates that this missense variant is expected to disrupt NSD1 protein function with a positive predictive value of 95%. In summary, the available evidence is currently insufficient to determine the role of this variant in disease. Therefore, it has been classified as a Variant of Uncertain Significance.